The following is an entry in ClinVar:

NM_000069.3(CACNA1S):c.2087del (p.Glu696fs)

Gene: CACNA1S (calcium voltage-gated channel subunit alpha1 S; minus strand). Cytogenetic location: 1q32.1.
Variant type: Deletion.
Coding change: c.2087del on transcript NM_000069.3 (MANE Select); coding-DNA position 2087, one base deleted (A; older notation c.2087delA).
Protein change: p.Glu696fs; shifts the reading frame from glutamic acid 696.
Molecular consequence: frameshift variant.
Genome position (GRCh38, 1-based): chr1:201,073,619, T deleted on the plus strand (A on the coding strand, the reverse complement: CACNA1S is on the minus strand). VCF-style (leftmost placement, unchanged base first): chr1-201073618-CT-C. GRCh37 (hg19) VCF-style: chr1-201042746-CT-C.
Other names: short protein forms E696fs.
Identifiers: ClinVar variation 4782893 (VCV004782893.1).

ClinVar aggregate classification (germline): Pathogenic (1 of 4 stars; one submission).

Conditions:
Malignant hyperthermia, susceptibility to, 5 (MHS5). Also called: CACNA1S-Related Malignant Hyperthermia Susceptibility. Identifiers: Orphanet 423, MedGen C1866077, MONDO:0011163, OMIM 601887.
Hypokalemic periodic paralysis, type 1. Also called: Hypokalemic Periodic Paralysis Type 1 (AD); HypoPP. Identifiers: Orphanet 681, MedGen C3714580, MONDO:0042979, OMIM 170400.

Submission:

Labcorp Genetics (formerly Invitae), Labcorp
Classification: Pathogenic for Hypokalemic periodic paralysis, type 1; Malignant hyperthermia, susceptibility to, 5. Last evaluated: 2025-12-08. Review status: criteria provided, single submitter. Criteria: Invitae Variant Classification Sherloc (09022015). Collection method: clinical testing. Allele origin: germline.
Comment: This sequence change creates a premature translational stop signal (p.Glu696Glyfs*25) in the CACNA1S gene. It is expected to result in an absent or disrupted protein product. Loss-of-function variants in CACNA1S are known to be pathogenic (PMID: 26247046, 28012042). This variant is not present in population databases (gnomAD no frequency). This variant has not been reported in the literature in individuals affected with CACNA1S-related conditions. Algorithms developed to predict the effect of sequence changes on RNA splicing suggest that this variant may disrupt the consensus splice site. For these reasons, this variant has been classified as Pathogenic.

Literature cited by the submitters: PubMed 26247046; PubMed 28012042.